The following is an entry in ClinVar:

ClinVar aggregate classification (germline): Uncertain significance (1 of 4 stars; one submission).

Conditions:
Inborn genetic diseases. Identifiers: MedGen C0950123, MeSH D030342.

gnomAD v4.1: 7 of 1,520,040 alleles (0.00046%); highest among the groups gnomAD compares: South Asian, 0.0012%; no homozygotes.

Submission:

Ambry Genetics
Classification: Uncertain significance for Inborn genetic diseases. Last evaluated: 2026-02-16. Review status: criteria provided, single submitter. Criteria: Ambry Variant Classification Scheme 2023. Collection method: clinical testing. Allele origin: germline.
Comment: The c.6835G>A (p.V2279M) alteration is located in exon 9 (coding exon 7) of the ANKRD11 gene. This alteration results from a G to A substitution at nucleotide position 6835, causing the valine (V) at amino acid position 2279 to be replaced by a methionine (M). Based on data from gnomAD, the A allele has an overall frequency of 0.001% (1/141690) total alleles studied. The highest observed frequency was 0.002% (1/59048) of European (non-Finnish) alleles. Based on insufficient or conflicting evidence, the clinical significance of this alteration remains unclear.

NM_013275.6(ANKRD11):c.6835G>A (p.Val2279Met)

Gene: ANKRD11 (ankyrin repeat domain 11; minus strand). Cytogenetic location: 16q24.3.
Variant type: single nucleotide variant.
Coding change: c.6835G>A on transcript NM_013275.6 (MANE Select); coding-DNA position 6835, G replaced by A.
Protein change: p.Val2279Met; replaces valine 2279 with methionine.
Molecular consequence: missense variant.
Genome position (GRCh38, 1-based): chr16:89,279,707, C>T on the plus strand (G>A on the coding strand, the complement: ANKRD11 is on the minus strand). VCF-style: chr16-89279707-C-T. GRCh37 (hg19) VCF-style: chr16-89346115-C-T.
Other names: c.6835G>A, p.Val2279Met (NM_001256182.2, NM_001256183.2); short protein forms V2279M.
Identifiers: ClinVar variation 4839936 (VCV004839936.1).